The following is an entry in ClinVar:

NM_001032283.3(TMPO):c.557A>G (p.Asn186Ser)

Gene: TMPO (thymopoietin; plus strand). Cytogenetic location: 12q23.1.
Variant type: single nucleotide variant.
Coding change: c.557A>G on transcript NM_001032283.3 (MANE Select); coding-DNA position 557, A replaced by G.
Protein change: p.Asn186Ser; replaces asparagine 186 with serine.
Molecular consequence: missense variant.
Genome position (GRCh38, 1-based): chr12:98,531,830, A>G. VCF-style: chr12-98531830-A-G. GRCh37 (hg19) VCF-style: chr12-98925608-A-G.
Other names: c.557A>G, p.Asn186Ser (NM_001032284.3, NM_001307975.2, NM_003276.2); short protein forms N186S.
Identifiers: ClinVar variation 191789 (VCV000191789.15), dbSNP rs200923649, ClinGen allele CA237551.

ClinVar aggregate classification (germline): Conflicting classifications of pathogenicity. Review status: criteria provided, conflicting classifications (1 of 4 stars). 4 submissions from 4 submitters: Uncertain significance (3); Likely benign (1). Last evaluated 2026-01-02.

Conditions:
Loeys-Dietz syndrome 2 (LDS2). Also called: TGFBR2-Related Loeys-Dietz Syndrome; Marfan Syndrome type 2; Marfan like connective tissue disorder; MFS 2; Marfan syndrome, type 2 (formerly); AORTIC ANEURYSM, FAMILIAL THORACIC 3. Identifiers: Orphanet 284973, Orphanet 558, MedGen C2674574, MONDO:0012427, OMIM 610168.

Allele frequency attached by ClinVar (database versions not stated): gnomAD 0.00001; gnomAD exomes 0.00002 and 0.00004; TOPMed 0.00002; ExAC 0.00003.
gnomAD v4.1: 34 of 1,611,100 alleles (0.0021%); highest among the groups gnomAD compares: Non-Finnish European, 0.00034%; no homozygotes.

Submissions (4):

Women's Health and Genetics/Laboratory Corporation of America, LabCorp
Classification: Uncertain significance. Last evaluated: 2026-01-02. Review status: criteria provided, single submitter. Criteria: LabCorp Variant Classification Summary - May 2015. Collection method: clinical testing. Allele origin: germline.

Labcorp Genetics (formerly Invitae), Labcorp
Classification: Likely benign for Loeys-Dietz syndrome 2. Last evaluated: 2025-02-17. Review status: criteria provided, single submitter. Criteria: Invitae Variant Classification Sherloc (09022015). Collection method: clinical testing. Allele origin: germline.

GeneDx
Classification: Uncertain significance. Last evaluated: 2019-09-05. Review status: criteria provided, single submitter. Criteria: GeneDx Variant Classification Process June 2021. Collection method: clinical testing. Allele origin: germline. Affected: yes.
Comment: In silico analysis, which includes protein predictors and evolutionary conservation, supports a deleterious effect; Has not been previously published as pathogenic or benign to our knowledge

Biesecker Lab/Clinical Genomics Section, National Institutes of Health
Classification: Uncertain significance. Last evaluated: 2013-06-24. Review status: criteria provided, single submitter. Criteria: Ng et al. (Circ Cardiovasc Genet. 2013). Collection method: research. Allele origin: unknown. Observed: 1 variant allele. Study: ClinSeq.
Comment: The study set was not selected for affection status in relation to any cancer. Pathogenicity categories were based on literature curation. See Pubmed ID:23861362 for details.

Medical sequencing